The following is an entry in ClinVar:

ClinVar aggregate classification (germline): Likely benign. Review status: criteria provided, multiple submitters, no conflicts (2 of 4 stars). 5 submissions from 5 submitters: Likely benign (5). Last evaluated 2026-06-23.

Conditions:
TTN-related disorder. Also called: TTN-related disorders; TTN-related condition; TTN-related disease.
Cardiovascular phenotype. Identifiers: MedGen CN230736.
Autosomal recessive limb-girdle muscular dystrophy type 2J (LGMDR10). Also called: Limb-girdle muscular dystrophy, type 2J; MUSCULAR DYSTROPHY, LIMB-GIRDLE, AUTOSOMAL RECESSIVE 10. Identifiers: Orphanet 140922, MedGen C1837342, MONDO:0012127, OMIM 608807.
Dilated cardiomyopathy 1G (CMD1G). Identifiers: Orphanet 154, MedGen C1858763, MONDO:0011400, OMIM 604145.
Early-onset myopathy with fatal cardiomyopathy (CMYO5). Also called: Salih Myopathy; CONGENITAL MYOPATHY 5 WITH CARDIOMYOPATHY. Identifiers: Orphanet 289377, MedGen C2673677, MONDO:0012714, OMIM 611705. Disease mechanism: loss of function.
Hypertrophic cardiomyopathy 9. Also called: Familial hypertrophic cardiomyopathy 9. Identifiers: MedGen C1861065, MONDO:0013412, OMIM 613765.
Myopathy, myofibrillar, 9, with early respiratory failure (MFM9). Also called: Hereditary myopathy with early respiratory failure; MYOPATHY, PROXIMAL, WITH EARLY RESPIRATORY MUSCLE INVOLVEMENT; EDSTROM MYOPATHY; Myopathy, distal, with early respiratory failure, autosomal dominant. Identifiers: Orphanet 178464, Orphanet 34521, MedGen C1863599, MONDO:0011362, OMIM 603689.
Tibial muscular dystrophy (TMD). Also called: UDD MYOPATHY; Tibial muscular dystrophy, tardive; Udd Distal Myopathy – Tibial Muscular Dystrophy. Identifiers: Orphanet 609, MedGen C1838244, MONDO:0010870, OMIM 600334.

Allele frequency attached by ClinVar (database versions not stated): gnomAD exomes 0.00003 and 0.00004; gnomAD 0.00005 and 0.00006; TOPMed 0.00005.
gnomAD v4.1: 26 of 1,613,688 alleles (0.0016%); highest among the groups gnomAD compares: Admixed American, 0.042%; no homozygotes.

Submissions (5):

PreventionGenetics, part of Exact Sciences
Classification: Likely benign for TTN-related condition. Last evaluated: 2026-06-23. Review status: criteria provided, single submitter. Criteria: ACMG Guidelines, 2015. Collection method: clinical testing. Allele origin: germline.
Comment: This variant is classified as likely benign based on ACMG/AMP sequence variant interpretation guidelines (Richards et al. 2015 PMID: 25741868, with internal and published modifications).

Labcorp Genetics (formerly Invitae), Labcorp
Classification: Likely benign for Dilated cardiomyopathy 1G; Autosomal recessive limb-girdle muscular dystrophy type 2J. Last evaluated: 2026-01-14. Review status: criteria provided, single submitter. Criteria: Invitae Variant Classification Sherloc (09022015). Collection method: clinical testing. Allele origin: germline.

Ambry Genetics
Classification: Likely benign for Cardiovascular phenotype. Last evaluated: 2021-12-21. Review status: criteria provided, single submitter. Criteria: Ambry Variant Classification Scheme 2023. Collection method: clinical testing. Allele origin: germline.

Fulgent Genetics
Classification: Likely benign for Tibial muscular dystrophy; Myopathy, myofibrillar, 9, with early respiratory failure; Dilated cardiomyopathy 1G; Autosomal recessive limb-girdle muscular dystrophy type 2J; Early-onset myopathy with fatal cardiomyopathy; Hypertrophic cardiomyopathy 9. Last evaluated: 2021-07-23. Review status: criteria provided, single submitter. Criteria: ACMG Guidelines, 2015. Collection method: clinical testing. Allele origin: unknown.

GeneDx
Classification: Likely benign. Last evaluated: 2015-12-07. Review status: criteria provided, single submitter. Criteria: GeneDx Variant Classification (06012015). Collection method: clinical testing. Allele origin: germline. Affected: yes.
Comment: This variant is considered likely benign or benign based on one or more of the following criteria: it is a conservative change, it occurs at a poorly conserved position in the protein, it is predicted to be benign by multiple in silico algorithms, and/or has population frequency not consistent with disease.

NM_001267550.2(TTN):c.107364C>T (p.Ser35788=)

Genes: TTN-AS1 (TTN antisense RNA 1; plus strand), TTN (titin; minus strand). Cytogenetic location: 2q31.2.
Variant type: single nucleotide variant.
Coding change: c.107364C>T on transcript NM_001267550.2 (MANE Select); coding-DNA position 107364, C replaced by T.
Protein change: p.Ser35788=; no amino-acid change (serine 35788 retained).
Molecular consequence: synonymous variant.
Genome position (GRCh38, 1-based): chr2:178,528,287, G>A on the plus strand (C>T on the coding strand, the complement: TTN is on the minus strand). VCF-style: chr2-178528287-G-A. GRCh37 (hg19) VCF-style: chr2-179393014-G-A.
Other names: c.102441C>T, p.Ser34147= (NM_001256850.1); c.80169C>T, p.Ser26723= (NM_003319.4); c.99660C>T, p.Ser33220= (NM_133378.4); c.80544C>T, p.Ser26848= (NM_133432.3); c.80745C>T, p.Ser26915= (NM_133437.4).
Identifiers: ClinVar variation 382175 (VCV000382175.16), dbSNP rs1057521273, ClinGen allele CA16603978.